The following is an entry in ClinVar:

NM_145166.4(ZBTB47):c.1864C>T (p.His622Tyr)

Gene: ZBTB47 (zinc finger and BTB domain containing 47; plus strand). Cytogenetic location: 3p22.1.
Variant type: single nucleotide variant.
Coding change: c.1864C>T on transcript NM_145166.4 (MANE Select); coding-DNA position 1864, C replaced by T.
Protein change: p.His622Tyr; replaces histidine 622 with tyrosine.
Molecular consequence: missense variant.
Genome position (GRCh38, 1-based): chr3:42,663,923, C>T. VCF-style: chr3-42663923-C-T. GRCh37 (hg19) VCF-style: chr3-42705415-C-T.
Other names: c.1948C>T, p.His650Tyr (NM_001410746.1); short protein forms H622Y, H650Y.
Identifiers: ClinVar variation 4536512 (VCV004536512.1).

ClinVar aggregate classification (germline): Uncertain significance (1 of 4 stars; one submission).

Submission:

GeneDx
Classification: Uncertain significance. Last evaluated: 2025-06-04. Review status: criteria provided, single submitter. Criteria: GeneDx Variant Classification Process June 2021. Collection method: clinical testing. Allele origin: germline. Affected: yes.
Comment: Not observed at significant frequency in large population cohorts (gnomAD); In silico analysis supports that this missense variant has a deleterious effect on protein structure/function; Has not been previously published as pathogenic or benign to our knowledge